The following is an entry in ClinVar:

NM_001378454.1(ALMS1):c.11873-8T>G

Genes: ALMS1 (ALMS1 centrosome and basal body associated protein; plus strand), LOC126806252 (BRD4-independent group 4 enhancer GRCh37_chr2:73828496-73829695; plus strand). Cytogenetic location: 2p13.1.
Variant type: single nucleotide variant.
Coding change: c.11873-8T>G on transcript NM_001378454.1 (MANE Select); 8 bases into the intron before coding-DNA position 11873, T replaced by G.
Molecular consequence: intron variant.
Genome position (GRCh38, 1-based): chr2:73,601,187, T>G. VCF-style: chr2-73601187-T-G. GRCh37 (hg19) VCF-style: chr2-73828314-T-G.
Other names: c.11873-8T>G (NM_015120.4).
Identifiers: ClinVar variation 1435873 (VCV001435873.7), dbSNP rs2104195252, ClinGen allele CA2573135818.

ClinVar aggregate classification (germline): Uncertain significance. Review status: criteria provided, multiple submitters, no conflicts (2 of 4 stars). 2 submissions from 2 submitters: Uncertain significance (2). Last evaluated 2025-09-08.

Conditions:
Alstrom syndrome (ALMS). Identifiers: Orphanet 64, MedGen C0268425, MONDO:0008763, OMIM 203800.

Submissions (2):

Labcorp Genetics (formerly Invitae), Labcorp
Classification: Uncertain significance for Alstrom syndrome. Last evaluated: 2025-09-08. Review status: criteria provided, single submitter. Criteria: Invitae Variant Classification Sherloc (09022015). Collection method: clinical testing. Allele origin: germline.
Comment: This sequence change falls in intron 18 of the ALMS1 gene. It does not directly change the encoded amino acid sequence of the ALMS1 protein. This variant is not present in population databases (gnomAD no frequency). This variant has not been reported in the literature in individuals affected with ALMS1-related conditions. ClinVar contains an entry for this variant (Variation ID: 1435873). Algorithms developed to predict the effect of sequence changes on RNA splicing suggest that this variant may disrupt the consensus splice site. In summary, the available evidence is currently insufficient to determine the role of this variant in disease. Therefore, it has been classified as a Variant of Uncertain Significance.

GeneDx
Classification: Uncertain significance. Last evaluated: 2022-02-25. Review status: criteria provided, single submitter. Criteria: GeneDx Variant Classification Process June 2021. Collection method: clinical testing. Allele origin: germline. Affected: yes.
Comment: Not observed at significant frequency in large population cohorts (gnomAD); In-silico analysis is inconclusive as to whether the variant alters gene splicing. In the absence of RNA/functional studies, the actual effect of this sequence change is unknown.; Has not been previously published as pathogenic or benign to our knowledge